The following is an entry in ClinVar:

ClinVar aggregate classification (germline): Uncertain significance (1 of 4 stars; one submission).

Conditions:
SEMA3G-related disorder. Also called: SEMA3G-related condition.

Submission:

PreventionGenetics, part of Exact Sciences
Classification: Uncertain significance for SEMA3G-related condition. Last evaluated: 2026-07-13. Review status: criteria provided, single submitter. Criteria: ACMG Guidelines, 2015. Collection method: clinical testing. Allele origin: germline.
Comment: The SEMA3G c.1928G>A variant is predicted to result in the amino acid substitution p.Arg643His. To our knowledge, this variant has not been reported in the literature. This variant is reported in 0.027% of alleles in individuals of East Asian descent in gnomAD. At this time, the clinical significance of this variant is uncertain due to the absence of conclusive functional and genetic evidence.

NM_020163.3(SEMA3G):c.1928G>A (p.Arg643His)

Gene: SEMA3G (semaphorin 3G; minus strand). Cytogenetic location: 3p21.1.
Variant type: single nucleotide variant.
Coding change: c.1928G>A on transcript NM_020163.3 (MANE Select); coding-DNA position 1928, G replaced by A.
Protein change: p.Arg643His; replaces arginine 643 with histidine.
Molecular consequence: missense variant.
Genome position (GRCh38, 1-based): chr3:52,436,024, C>T on the plus strand (G>A on the coding strand, the complement: SEMA3G is on the minus strand). VCF-style: chr3-52436024-C-T. GRCh37 (hg19) VCF-style: chr3-52470040-C-T.
Other names: short protein forms R643H.
Identifiers: ClinVar variation 4979394 (VCV004979394.1).